The following is an entry in ClinVar:

ClinVar aggregate classification (germline): Uncertain significance (1 of 4 stars; one submission).

Conditions:
Progressive sclerosing poliodystrophy (MTDPS4A). Also called: NEURONAL DEGENERATION OF CHILDHOOD WITH LIVER DISEASE, PROGRESSIVE; Alpers Syndrome; ALPERS DIFFUSE DEGENERATION OF CEREBRAL GRAY MATTER WITH HEPATIC CIRRHOSIS; Alpers-Huttenlocher Syndrome; Mitochondrial DNA depletion syndrome 4A (Alpers type); Mitochondrial DNA Depletion Syndrome 4A. Identifiers: Orphanet 726, MedGen C0205710, MONDO:0008758, OMIM 203700.

Submission:

Labcorp Genetics (formerly Invitae), Labcorp
Classification: Uncertain significance for Progressive sclerosing poliodystrophy. Last evaluated: 2022-06-20. Review status: criteria provided, single submitter. Criteria: Invitae Variant Classification Sherloc (09022015). Collection method: clinical testing. Allele origin: germline.
Comment: This sequence change replaces proline, which is neutral and non-polar, with threonine, which is neutral and polar, at codon 116 of the POLG protein (p.Pro116Thr). This variant is not present in population databases (gnomAD no frequency). This variant has not been reported in the literature in individuals affected with POLG-related conditions. Algorithms developed to predict the effect of missense changes on protein structure and function (SIFT, PolyPhen-2, Align-GVGD) all suggest that this variant is likely to be tolerated. In summary, the available evidence is currently insufficient to determine the role of this variant in disease. Therefore, it has been classified as a Variant of Uncertain Significance.

NM_002693.3(POLG):c.346C>A (p.Pro116Thr)

Genes: POLG (DNA polymerase gamma, catalytic subunit; minus strand), POLGARF (POLG alternative reading frame; minus strand). Cytogenetic location: 15q26.1.
Variant type: single nucleotide variant.
Coding change: c.346C>A on transcript NM_002693.3 (MANE Select); coding-DNA position 346, C replaced by A.
Protein change: p.Pro116Thr; replaces proline 116 with threonine.
Molecular consequence: missense variant.
Genome position (GRCh38, 1-based): chr15:89,333,409, G>T on the plus strand (C>A on the coding strand, the complement: POLG is on the minus strand). VCF-style: chr15-89333409-G-T. GRCh37 (hg19) VCF-style: chr15-89876640-G-T.
Other names: c.346C>A, p.Pro116Thr (NM_001126131.2); short protein forms P116T.
Identifiers: ClinVar variation 1355859 (VCV001355859.5), dbSNP rs771676521, ClinGen allele CA393772480.